The following is an entry in ClinVar:

NM_000059.4(BRCA2):c.3509C>T (p.Ala1170Val)

Gene: BRCA2 (BRCA2 DNA repair associated; plus strand). Cytogenetic location: 13q13.1.
Variant type: single nucleotide variant.
Coding change: c.3509C>T on transcript NM_000059.4 (MANE Select); coding-DNA position 3509, C replaced by T.
Protein change: p.Ala1170Val; replaces alanine 1170 with valine.
Molecular consequence: missense variant.
Genome position (GRCh38, 1-based): chr13:32,337,864, C>T. VCF-style: chr13-32337864-C-T. GRCh37 (hg19) VCF-style: chr13-32912001-C-T.
Other names: 3737C>T; short protein forms A1170V.
Identifiers: ClinVar variation 37844 (VCV000037844.34), dbSNP rs80358599, ClinGen allele CA018216.

ClinVar aggregate classification (germline): Conflicting classifications of pathogenicity. Review status: criteria provided, conflicting classifications (1 of 4 stars). 18 submissions from 18 submitters: Uncertain significance (4); Benign (2); Likely benign (7). 5 of the submissions do not count toward it. Last evaluated 2026-07-26.

Conditions:
BRCA2-related disorder. Also called: BRCA2-related condition; BRCA2-related disorders. Identifiers: MedGen CN239275.
Hereditary cancer-predisposing syndrome. Also called: Hereditary neoplastic syndrome; Tumor predisposition; Hereditary Cancer Syndrome; Neoplastic Syndromes, Hereditary. Identifiers: Orphanet 140162, MedGen C0027672, MeSH D009386, MONDO:0015356.
Breast-ovarian cancer, familial, susceptibility to, 2 (BROVCA2). Also called: BRCA2 Hereditary Breast and Ovarian Cancer. Identifiers: Orphanet 145, MedGen C2675520, MONDO:0012933, OMIM 612555. Disease mechanism: loss of function.
Familial cancer of breast. Also called: BREAST CANCER, FAMILIAL; Hereditary breast cancer; hereditary breast carcinoma. Identifiers: Orphanet 227535, MedGen C0346153, MONDO:0016419, OMIM 114480. Disease mechanism: loss of function.
Hereditary breast ovarian cancer syndrome. Also called: Breast and ovarian cancer; Hereditary breast and/or ovarian cancer syndrome; BRCA1- and BRCA2-Associated Hereditary Breast and Ovarian Cancer; Hereditary breast and ovarian cancer syndrome; Hereditary breast and ovarian cancer; Hereditary breast and ovarian cancer syndrome (HBOC). Identifiers: Orphanet 145, MedGen C0677776, MeSH D061325, MONDO:0003582. Disease mechanism: loss of function.

Allele frequency attached by ClinVar (database versions not stated): ExAC 0.00001; gnomAD 0.00001; TOPMed 0.00001; gnomAD exomes 0.00002.
gnomAD v4.1: 30 of 1,613,922 alleles (0.0019%); highest among the groups gnomAD compares: Non-Finnish European, 0.0025%; no homozygotes.

Submissions (18):

PreventionGenetics, part of Exact Sciences
Classification: Likely benign for BRCA2-related condition. Last evaluated: 2026-07-26. Review status: criteria provided, single submitter. Criteria: ACMG Guidelines, 2015. Collection method: clinical testing. Allele origin: germline.
Comment: This variant is classified as likely benign based on ACMG/AMP sequence variant interpretation guidelines (Richards et al. 2015 PMID: 25741868, with internal and published modifications).

Labcorp Genetics (formerly Invitae), Labcorp
Classification: Likely benign for Hereditary breast ovarian cancer syndrome. Last evaluated: 2025-12-15. Review status: criteria provided, single submitter. Criteria: Invitae Variant Classification Sherloc (09022015). Collection method: clinical testing. Allele origin: germline.

Women's Health and Genetics/Laboratory Corporation of America, LabCorp
Classification: Uncertain significance. Last evaluated: 2025-09-29. Review status: criteria provided, single submitter. Criteria: LabCorp Variant Classification Summary - May 2015. Collection method: clinical testing. Allele origin: germline.
Comment: Variant summary: BRCA2 c.3509C>T (p.Ala1170Val) results in a non-conservative amino acid change in the encoded protein sequence. Algorithms developed to predict the effect of missense changes on protein structure and function are either unavailable or do not agree on the potential impact of this missense change. The variant allele was found at a frequency of 1.6e-05 in 250828 control chromosomes. The available data on variant occurrences in the general population are insufficient to allow any conclusion about variant significance. c.3509C>T has been reported in the literature in individuals affected with Hereditary Breast And Ovarian Cancer Syndrome, without strong evidence for causality (Fanale_2021, Haffty_2009, Spearman_2008). These reports do not provide unequivocal conclusions about association of the variant with Hereditary Breast And Ovarian Cancer Syndrome. To our knowledge, no experimental evidence demonstrating an impact on protein function has been reported. The following publications have been ascertained in the context of this evaluation (PMID: 34178674, 15983021, 19491284, 18824701, 21990165). ClinVar contains an entry for this variant (Variation ID: 37844). Based on the evidence outlined above, the variant was classified as uncertain significance.

Department of Pathology and Laboratory Medicine, Sinai Health System
Classification: Uncertain significance for Familial cancer of breast; Breast-ovarian cancer, familial, susceptibility to, 2. Last evaluated: 2024-03-08. Review status: criteria provided, single submitter. Criteria: ACMG Guidelines, 2015. Collection method: clinical testing. Allele origin: germline. Affected: yes.

All of Us Research Program, National Institutes of Health
Classification: Benign for Breast-ovarian cancer, familial, susceptibility to, 2. Last evaluated: 2023-11-30. Review status: criteria provided, single submitter. Criteria: ACMG Guidelines, 2015. Collection method: clinical testing. Allele origin: germline. Inheritance: Autosomal dominant inheritance. Observed: 3 variant alleles, 3 heterozygotes.
Comment: This study involves interpretation of variants in research participants for the purpose of population health screening. Participant phenotype was not available at the time of variant classification. Additional details can be found in publication PMID: 35346344, PMCID: PMC8962531

University of Washington Department of Laboratory Medicine, University of Washington
Classification: Likely benign for Hereditary cancer-predisposing syndrome. Last evaluated: 2023-03-23. Review status: criteria provided, single submitter. Criteria: Dines et al. (Genet Med. 2020). Collection method: curation. Allele origin: germline.
Comment: Missense variant in a coldspot region where missense variants are very unlikely to be pathogenic (PMID:31911673).

BRCA2 exon 11 coldspot. Reclassification based on statistical prior probability.

Blueprint Genetics
Classification: Likely benign. Last evaluated: 2023-03-16. Review status: criteria provided, single submitter. Criteria: ACMG Guidelines, 2015. Collection method: clinical testing. Allele origin: germline.

Sema4
Classification: Uncertain significance for Hereditary cancer-predisposing syndrome. Last evaluated: 2021-09-17. Review status: criteria provided, single submitter. Criteria: Sema4 Curation Guidelines. Collection method: curation. Allele origin: germline.
Comment: The BRCA2 c.3509C>T (p.A1170V) variant has been reported in heterozygosity in at least three individuals with breast cancer and at least one individual with ovarian cancer (PMID: 15983021, 18824701, 33471991, 34178674). It was observed in 4/113192 chromosomes of the Non-Finnish European subpopulation in the large and broad cohorts of the Genome Aggregation Database (PMID: 32461654). The variant has been reported in ClinVar (Variation ID 37844). Functional studies have not been performed, and in silico predictions of the variant's effect on protein function are inconclusive. There is no indication that this variant causes disease, but the evidence is insufficient currently to prove that conclusively. Thus, the clinical significance of this variant is currently uncertain.

Mendelics
Classification: Likely benign for Breast-ovarian cancer, familial, susceptibility to, 2. Last evaluated: 2019-05-28. Review status: criteria provided, single submitter. Criteria: Mendelics Assertion Criteria 2017. Collection method: clinical testing. Allele origin: unknown.

Ambry Genetics
Classification: Likely benign for Hereditary cancer-predisposing syndrome. Last evaluated: 2019-02-05. Review status: criteria provided, single submitter. Criteria: Ambry Variant Classification Scheme 2023. Collection method: clinical testing. Allele origin: germline.

GeneDx
Classification: Likely benign. Last evaluated: 2018-12-14. Review status: criteria provided, single submitter. Criteria: GeneDx Variant Classification Process June 2021. Collection method: clinical testing. Allele origin: germline. Affected: yes.
Comment: This variant is associated with the following publications: (PMID: 18824701, 15983021, 19491284, 18951461, 24817641, 21990165, 10923033, 30212499)

Quest Diagnostics Nichols Institute San Juan Capistrano
Classification: Uncertain significance. Last evaluated: 2017-05-31. Review status: criteria provided, single submitter. Criteria: Quest Diagnostics criteria. Collection method: clinical testing. Allele origin: germline.

Color Diagnostics, LLC DBA Color Health
Classification: Benign for Hereditary cancer-predisposing syndrome. Last evaluated: 2016-08-08. Review status: criteria provided, single submitter. Criteria: ACMG Guidelines, 2015. Collection method: clinical testing. Allele origin: germline.

Department of Medical and Surgical Sciences, University of Bologna
Classification: Likely benign for Breast-ovarian cancer, familial, susceptibility to, 2. Last evaluated: 2023-09-01. Review status: no assertion criteria provided. Collection method: clinical testing. Allele origin: germline. Affected: yes. Not counted in ClinVar's aggregate classification.
Comment: PP4(Moderate)+BS3(Strong)+BP1(Strong) according to ACMG/AMP classification guidelines specified for BRCA1 & BRCA2 (Classification Criteria V1.0.0 2023-09-08) (PMID: 38160042)

BRCAlab, Lund University
Classification: Uncertain significance for Breast-ovarian cancer, familial, susceptibility to, 2. Last evaluated: 2020-03-02. Review status: no assertion criteria provided. Collection method: clinical testing. Allele origin: germline. Affected: yes. Not counted in ClinVar's aggregate classification.

Counsyl
Classification: Uncertain significance for Breast-ovarian cancer, familial, susceptibility to, 2. Last evaluated: 2016-02-19. Review status: no assertion criteria provided. Collection method: clinical testing. Allele origin: unknown. Not counted in ClinVar's aggregate classification.

Sharing Clinical Reports Project (SCRP)
Classification: Benign for Breast-ovarian cancer, familial 2. Last evaluated: 2010-01-26. Review status: no assertion criteria provided. Collection method: clinical testing. Allele origin: germline. Not counted in ClinVar's aggregate classification.

Breast Cancer Information Core (BIC) (BRCA2)
Classification: Uncertain significance for Breast-ovarian cancer, familial 2. Last evaluated: 2004-02-20. Review status: no assertion criteria provided. Collection method: clinical testing. Allele origin: germline. Affected: yes. Observed: 4 variant alleles. Not counted in ClinVar's aggregate classification.

Literature cited by the submitters: PubMed 18824701 (cited by 4 submitters); PubMed 21990165 (cited by 3 submitters); PubMed 15983021 (cited by 4 submitters); PubMed 19491284 (cited by Women's Health and Genetics/Laboratory Corporation of America, LabCorp); PubMed 34178674 (cited by Women's Health and Genetics/Laboratory Corporation of America, LabCorp and Sema4); PubMed 33471991 (cited by Department of Pathology and Laboratory Medicine, Sinai Health System and Sema4); PubMed 35600410 (cited by Department of Pathology and Laboratory Medicine, Sinai Health System); PubMed 24817641 (cited by Counsyl).